The following is an entry in ClinVar:

NM_006218.4(PIK3CA):c.69A>C (p.Glu23Asp)

Gene: PIK3CA (phosphatidylinositol-4,5-bisphosphate 3-kinase catalytic subunit alpha; plus strand). Cytogenetic location: 3q26.32.
Variant type: single nucleotide variant.
Coding change: c.69A>C on transcript NM_006218.4 (MANE Select); coding-DNA position 69, A replaced by C.
Protein change: p.Glu23Asp; replaces glutamic acid 23 with aspartic acid.
Molecular consequence: missense variant.
Genome position (GRCh38, 1-based): chr3:179,198,894, A>C. VCF-style: chr3-179198894-A-C. GRCh37 (hg19) VCF-style: chr3-178916682-A-C.
Other names: short protein forms E23D.
Identifiers: ClinVar variation 3225376 (VCV003225376.1), dbSNP rs2473886420, ClinGen allele CA355270788.

ClinVar aggregate classification (germline): Uncertain significance (1 of 4 stars; one submission).

Conditions:
Inborn genetic diseases. Identifiers: MedGen C0950123, MeSH D030342.

Submission:

Ambry Genetics
Classification: Uncertain significance for Inborn genetic diseases. Last evaluated: 2023-09-16. Review status: criteria provided, single submitter. Criteria: Ambry Variant Classification Scheme 2023. Collection method: clinical testing. Allele origin: germline.
Comment: The p.E23D variant (also known as c.69A>C), located in coding exon 1 of the PIK3CA gene, results from an A to C substitution at nucleotide position 69. The glutamic acid at codon 23 is replaced by aspartic acid, an amino acid with highly similar properties. This amino acid position is conserved. In addition, this alteration is predicted to be tolerated by in silico analysis. Since supporting evidence is limited at this time, the clinical significance of this alteration remains unclear.